The following is an entry in ClinVar:

ClinVar aggregate classification (germline): Uncertain significance. Review status: criteria provided, multiple submitters, no conflicts (2 of 4 stars). 2 submissions from 2 submitters: Uncertain significance (2). Last evaluated 2025-10-09.

Allele frequency attached by ClinVar (database versions not stated): TOPMed 0.00001; gnomAD exomes below 0.00001; ExAC 0.00001.
gnomAD v4.1: 5 of 1,614,082 alleles (0.00031%); highest among the groups gnomAD compares: Non-Finnish European, 0.00034%; no homozygotes.

Submissions (2):

Dasa
Classification: Uncertain significance. Last evaluated: 2025-10-09. Review status: criteria provided, single submitter. Criteria: DASA Assertion Criteria. Collection method: clinical testing. Allele origin: germline.
Comment: NM_000392.5(ABCC2):c.4046G>C (p.Arg1349Thr) is a missense variant that results in the substitution of arginine with threonine. This variant is rare in population databases. Computational prediction algorithms are consistent with a deleterious effect. The currently available literature and clinical evidence are not sufficient to establish a definitive association between this variant and the reported condition. Therefore, this variant is classified as a variant of uncertain significance.

Eurofins Ntd Llc (ga)
Classification: Uncertain significance. Last evaluated: 2018-08-29. Review status: criteria provided, single submitter. Criteria: EGL ClinVar v180209 classification definitions. Collection method: clinical testing. Allele origin: germline. Observed: 1 variant allele, 1 heterozygote.

NM_000392.5(ABCC2):c.4046G>C (p.Arg1349Thr)

Gene: ABCC2 (ATP binding cassette subfamily C member 2; plus strand). Cytogenetic location: 10q24.2.
Variant type: single nucleotide variant.
Coding change: c.4046G>C on transcript NM_000392.5 (MANE Select); coding-DNA position 4046, G replaced by C.
Protein change: p.Arg1349Thr; replaces arginine 1349 with threonine.
Molecular consequence: missense variant.
Genome position (GRCh38, 1-based): chr10:99,845,682, G>C. VCF-style: chr10-99845682-G-C. GRCh37 (hg19) VCF-style: chr10-101605439-G-C.
Other names: c.4046G>C, p.Arg1349Thr (LRG_1208t1); short protein forms R1349T.
Identifiers: ClinVar variation 598585 (VCV000598585.7), dbSNP rs756482190, ClinGen allele CA5644022.